The following is an entry in ClinVar:

NM_012470.4(TNPO3):c.1498+3A>G

Gene: TNPO3 (transportin 3; minus strand). Cytogenetic location: 7q32.1.
Variant type: single nucleotide variant.
Coding change: c.1498+3A>G on transcript NM_012470.4 (MANE Select); 3 bases into the intron after coding-DNA position 1498, A replaced by G.
Molecular consequence: intron variant.
Genome position (GRCh38, 1-based): chr7:128,989,958, T>C on the plus strand (A>G on the coding strand, the complement: TNPO3 is on the minus strand). VCF-style: chr7-128989958-T-C. GRCh37 (hg19) VCF-style: chr7-128630012-T-C.
Other names: c.1498+3A>G (NM_001382223.1, NM_001191028.3, NM_001382220.1 and 2 more transcripts); c.1600+3A>G (NM_001382216.1); c.1579+3A>G (NM_001382217.1); c.1354+3A>G (NM_001382221.1); c.1351+3A>G (NM_001382222.1); c.1390+3A>G (NM_001382219.1).
Identifiers: ClinVar variation 1022544 (VCV001022544.8), dbSNP rs936598968, ClinGen allele CA166216726.

ClinVar aggregate classification (germline): Uncertain significance. Review status: criteria provided, multiple submitters, no conflicts (2 of 4 stars). 2 submissions from 2 submitters: Uncertain significance (2). Last evaluated 2024-10-25.

Conditions:
Autosomal dominant limb-girdle muscular dystrophy type 1F (LGMDD2). Also called: Limb-girdle muscular dystrophy, type 1F; MUSCULAR DYSTROPHY, LIMB-GIRDLE, AUTOSOMAL DOMINANT 2. Identifiers: Orphanet 55595, MedGen C1842062, MONDO:0012034, OMIM 608423.
TNPO3-related disorder. Also called: TNPO3-related condition.

Allele frequency attached by ClinVar (database versions not stated): gnomAD 0.00001; TOPMed 0.00002.
gnomAD v4.1: 7 of 1,613,238 alleles (0.00043%); highest among the groups gnomAD compares: Admixed American, 0.0017%; no homozygotes.

Submissions (2):

PreventionGenetics, part of Exact Sciences
Classification: Uncertain significance for TNPO3-related condition. Last evaluated: 2024-10-25. Review status: criteria provided, single submitter. Criteria: ACMG Guidelines, 2015. Collection method: clinical testing. Allele origin: germline.
Comment: The TNPO3 c.1498+3A>G variant is predicted to interfere with splicing. To our knowledge, this variant has not been reported in the literature or in a large population database (gnomAD), indicating this variant is rare. At this time, the clinical significance of this variant is uncertain due to the absence of conclusive functional and genetic evidence.

Labcorp Genetics (formerly Invitae), Labcorp
Classification: Uncertain significance for Autosomal dominant limb-girdle muscular dystrophy type 1F. Last evaluated: 2024-02-13. Review status: criteria provided, single submitter. Criteria: Invitae Variant Classification Sherloc (09022015). Collection method: clinical testing. Allele origin: germline.
Comment: This sequence change falls in intron 11 of the TNPO3 gene. It does not directly change the encoded amino acid sequence of the TNPO3 protein. It affects a nucleotide within the consensus splice site. This variant is not present in population databases (gnomAD no frequency). This variant has not been reported in the literature in individuals affected with TNPO3-related conditions. ClinVar contains an entry for this variant (Variation ID: 1022544). Variants that disrupt the consensus splice site are a relatively common cause of aberrant splicing (PMID: 17576681, 9536098). Algorithms developed to predict the effect of sequence changes on RNA splicing suggest that this variant is not likely to affect RNA splicing. In summary, the available evidence is currently insufficient to determine the role of this variant in disease. Therefore, it has been classified as a Variant of Uncertain Significance.

Literature cited by the submitters: PubMed 17576681 (cited by Labcorp Genetics (formerly Invitae), Labcorp); PubMed 9536098 (cited by Labcorp Genetics (formerly Invitae), Labcorp).